The following is an entry in ClinVar:

NM_001370658.1(BTD):c.187_195del (p.Leu63_Leu65del)

Gene: BTD (biotinidase; plus strand). Cytogenetic location: 3p25.1.
Variant type: Deletion.
Coding change: c.187_195del on transcript NM_001370658.1 (MANE Select); coding-DNA positions 187 to 195, 9 bases deleted (TTGGAGCTC; older notation c.187_195delTTGGAGCTC).
Protein change: p.Leu63_Leu65del.
Molecular consequence: inframe deletion.
Genome position (GRCh38, 1-based): chr3:15,635,626-15,635,634, TTGGAGCTC deleted; deleting any 9 consecutive bases within chr3:15,635,625-15,635,634 gives the same sequence; the c. name uses the placement nearest the transcript's 3' end. VCF-style (leftmost placement, unchanged base first): chr3-15635624-CCTTGGAGCT-C. GRCh37 (hg19) VCF-style: chr3-15677131-CCTTGGAGCT-C.
Other names: L85del; c.187_195del, p.Leu63_Leu65del (NM_001407368.1, NM_001407369.1, NM_001407370.1 and 37 more transcripts); c.187_195delTTGGAGCTC (NM_001370658.1).
Identifiers: ClinVar variation 1365614 (VCV001365614.7), dbSNP rs397514346, ClinGen allele CA278172.

ClinVar aggregate classification (germline): Uncertain significance. Review status: criteria provided, multiple submitters, no conflicts (2 of 4 stars). 2 submissions from 2 submitters: Uncertain significance (2). Last evaluated 2023-02-08.

Conditions:
Biotinidase deficiency. Also called: BTD deficiency; Late-onset biotin-responsive multiple carboxylase deficiency; Biotin deficiency. Identifiers: Orphanet 79241, MedGen C0220754, MONDO:0009665, OMIM 253260.

Submissions (2):

Women's Health and Genetics/Laboratory Corporation of America, LabCorp
Classification: Uncertain significance. Last evaluated: 2023-02-08. Review status: criteria provided, single submitter. Criteria: LabCorp Variant Classification Summary - May 2015. Collection method: clinical testing. Allele origin: germline.
Comment: Variant summary: BTD c.187_195delTTGGAGCTC (p.Leu63_Leu65del) results in an in-frame deletion that is predicted to remove three amino acids from the encoded protein. The variant was absent in 251408 control chromosomes. The available data on variant occurrences in the general population are insufficient to allow any conclusion about variant significance. c.187_195delTTGGAGCTC has been reported in the literature in at least one individual affected with Biotinidase Deficiency (e.g., Pomponio_1997, Norrgard_1999). These data do not allow any conclusion about variant significance. To our knowledge, no experimental evidence demonstrating an impact on protein function has been reported. One clinical diagnostic laboratory has submitted clinical-significance assessments for this variant to ClinVar after 2014 without evidence for independent evaluation and classified the variant as uncertain significance. Based on the evidence outlined above, the variant was classified as uncertain significance.

Labcorp Genetics (formerly Invitae), Labcorp
Classification: Uncertain significance for Biotinidase deficiency. Last evaluated: 2021-02-22. Review status: criteria provided, single submitter. Criteria: Invitae Variant Classification Sherloc (09022015). Collection method: clinical testing. Allele origin: germline.
Comment: In summary, the available evidence is currently insufficient to determine the role of this variant in disease. Therefore, it has been classified as a Variant of Uncertain Significance. This variant disrupts a region of the protein in which other variant(s) (p.Leu83Ser) have been observed in individuals with BTD-related conditions (PMID: 20224900). This suggests that this may be a clinically significant region of the BTD protein. This variant has been observed in individual(s) with biotinidase deficiency (PMID: 9396567). ClinVar contains an entry for this variant (Variation ID: 587750). This variant is not present in population databases (ExAC no frequency). This variant, c.247_255del, results in the deletion of 3 amino acid(s) of the BTD protein (p.Leu83_Leu85del), but otherwise preserves the integrity of the reading frame.

Literature cited by the submitters: PubMed 10400129 (cited by Women's Health and Genetics/Laboratory Corporation of America, LabCorp); PubMed 9396567 (cited by Women's Health and Genetics/Laboratory Corporation of America, LabCorp and Labcorp Genetics (formerly Invitae), Labcorp); PubMed 20224900 (cited by Labcorp Genetics (formerly Invitae), Labcorp).